The following is an entry in ClinVar:

ClinVar aggregate classification (germline): Benign. Review status: criteria provided, multiple submitters, no conflicts (2 of 4 stars). 2 submissions from 2 submitters: Benign (2). Last evaluated 2015-04-09.

Allele frequency attached by ClinVar (database versions not stated): gnomAD exomes 0.00017 and 0.00033; gnomAD 0.00020 and 0.00021; TOPMed 0.00023; ExAC 0.00027; 1000 Genomes Project 30x 0.00042; 1000 Genomes Project 0.00053.
gnomAD v4.1: 212 of 1,190,002 alleles (0.018%); highest among the groups gnomAD compares: Middle Eastern, 0.74%; 1 homozygote.

Submissions (2):

GeneDx
Classification: Benign. Last evaluated: 2015-04-09. Review status: criteria provided, single submitter. Criteria: GeneDx Variant Classification (06012015). Collection method: clinical testing. Allele origin: germline. Affected: yes.
Comment: This variant is considered likely benign or benign based on one or more of the following criteria: it is a conservative change, it occurs at a poorly conserved position in the protein, it is predicted to be benign by multiple in silico algorithms, and/or has population frequency not consistent with disease.

Breakthrough Genomics
Classification: Benign. Review status: criteria provided, single submitter. Criteria: ACMG Guidelines, 2015. Collection method: not provided. Allele origin: germline. Inheritance: X-linked inheritance. Affected: yes.

NM_004541.4(NDUFA1):c.-33A>C

Genes: NDUFA1 (NADH:ubiquinone oxidoreductase subunit A1; plus strand), LOC130068621 (ATAC-STARR-seq lymphoblastoid active region 29902; plus strand). Cytogenetic location: Xq24.
Variant type: single nucleotide variant.
Coding change: c.-33A>C on transcript NM_004541.4 (MANE Select); 33 bases upstream of the start codon, A replaced by C.
Molecular consequence: 5 prime UTR variant.
Genome position (GRCh38, 1-based): chrX:119,871,879, A>C. VCF-style: chrX-119871879-A-C. GRCh37 (hg19) VCF-style: chrX-119005842-A-C.
Identifiers: ClinVar variation 378240 (VCV000378240.2), dbSNP rs762694685, ClinGen allele CA10503518.